The following is an entry in ClinVar:

NM_024408.4(NOTCH2):c.2935T>A (p.Phe979Ile)

Gene: NOTCH2 (notch receptor 2; minus strand). Cytogenetic location: 1p12.
Variant type: single nucleotide variant.
Coding change: c.2935T>A on transcript NM_024408.4 (MANE Select); coding-DNA position 2935, T replaced by A.
Protein change: p.Phe979Ile; replaces phenylalanine 979 with isoleucine.
Molecular consequence: missense variant.
Genome position (GRCh38, 1-based): chr1:119,941,572, A>T on the plus strand (T>A on the coding strand, the complement: NOTCH2 is on the minus strand). VCF-style: chr1-119941572-A-T. GRCh37 (hg19) VCF-style: chr1-120484195-A-T.
Other names: c.2935T>A, p.Phe979Ile (NM_001200001.2); short protein forms F979I.
Identifiers: ClinVar variation 4995240 (VCV004995240.1).
Genomic context (GRCh38, chr1:119,941,572, plus strand): 5'-GACTGGTTGCTCACCTCTCAGTGCACTCATTGATGTTGTTCTCACAATGGACTCCATCAA[A>T]TCCTGCCTGGCACTTGCAAGTGTAACTGTTGACGTAGTCAGAGCAGGTCCCTCCATTCTT-3'
Protein context (NP_077719.2, residues 969-989): NSYTCKCQAG[Phe979Ile]DGVHCENNIN

ClinVar aggregate classification (germline): Uncertain significance (1 of 4 stars; one submission).

Conditions:
NOTCH2-related disorder. Also called: NOTCH2-related condition.

Submission:

PreventionGenetics, part of Exact Sciences
Classification: Uncertain significance for NOTCH2-related condition. Last evaluated: 2026-02-05. Review status: criteria provided, single submitter. Criteria: ACMG Guidelines, 2015. Collection method: clinical testing. Allele origin: germline.
Comment: The NOTCH2 c.2935T>A variant is predicted to result in the amino acid substitution p.Phe979Ile. To our knowledge, this variant has not been reported in the literature or in a large population database (gnomAD), indicating this variant is rare. At this time, the clinical significance of this variant is uncertain due to the absence of conclusive functional and genetic evidence.